The following is an entry in ClinVar:

ClinVar aggregate classification (germline): Uncertain significance (1 of 4 stars; one submission).

Conditions:
Fanconi anemia (FA). Also called: Fanconi's anemia. Identifiers: Orphanet 84, MedGen C0015625, MeSH D005199, MONDO:0019391.

Allele frequency attached by ClinVar (database versions not stated): TOPMed below 0.00001; ExAC 0.00002.
gnomAD v4.1: 12 of 1,596,524 alleles (0.00075%); highest among the groups gnomAD compares: South Asian, 0.0011%; no homozygotes.

Submission:

Labcorp Genetics (formerly Invitae), Labcorp
Classification: Uncertain significance for Fanconi anemia. Last evaluated: 2024-02-17. Review status: criteria provided, single submitter. Criteria: Invitae Variant Classification Sherloc (09022015). Collection method: clinical testing. Allele origin: germline.
Comment: This sequence change replaces proline, which is neutral and non-polar, with serine, which is neutral and polar, at codon 569 of the SLX4 protein (p.Pro569Ser). The frequency data for this variant in the population databases is considered unreliable, as metrics indicate poor data quality at this position in the gnomAD database. This variant has not been reported in the literature in individuals affected with SLX4-related conditions. ClinVar contains an entry for this variant (Variation ID: 2039012). Algorithms developed to predict the effect of missense changes on protein structure and function output the following: SIFT: "Not Available"; PolyPhen-2: "Benign"; Align-GVGD: "Not Available". The serine amino acid residue is found in multiple mammalian species, which suggests that this missense change does not adversely affect protein function. In summary, the available evidence is currently insufficient to determine the role of this variant in disease. Therefore, it has been classified as a Variant of Uncertain Significance.

NM_032444.4(SLX4):c.1705C>T (p.Pro569Ser)

Gene: SLX4 (SLX4 structure-specific endonuclease subunit; minus strand). Cytogenetic location: 16p13.3.
Variant type: single nucleotide variant.
Coding change: c.1705C>T on transcript NM_032444.4 (MANE Select); coding-DNA position 1705, C replaced by T.
Protein change: p.Pro569Ser; replaces proline 569 with serine.
Molecular consequence: missense variant.
Genome position (GRCh38, 1-based): chr16:3,596,372, G>A on the plus strand (C>T on the coding strand, the complement: SLX4 is on the minus strand). VCF-style: chr16-3596372-G-A. GRCh37 (hg19) VCF-style: chr16-3646373-G-A.
Other names: short protein forms P569S.
Identifiers: ClinVar variation 2039012 (VCV002039012.4), dbSNP rs761001659, ClinGen allele CA7866431.
Genomic context (GRCh38, chr16:3,596,372, plus strand): 5'-CGTGGAGAGCGGGTGACCTTCGCTCGCTCAGCTCTGAGTGCTCAGGTGGCACCAGAGGCG[G>A]CACGGGCTCCTGCATAAGGCCCTGAAAGAAGCCAGTAAGGAGAGTGACCACGTGGTCACT-3'
Protein context (NP_115820.2, residues 559-579): PAQGLMQEPV[Pro569Ser]PLVPPEHSEL